The following is an entry in ClinVar:

NM_022437.3(ABCG8):c.870C>T (p.Thr290=)

Gene: ABCG8 (ATP binding cassette subfamily G member 8; plus strand). Cytogenetic location: 2p21.
Variant type: single nucleotide variant.
Coding change: c.870C>T on transcript NM_022437.3 (MANE Select); coding-DNA position 870, C replaced by T.
Protein change: p.Thr290=; no amino-acid change (threonine 290 retained).
Molecular consequence: synonymous variant.
Genome position (GRCh38, 1-based): chr2:43,852,774, C>T. VCF-style: chr2-43852774-C-T. GRCh37 (hg19) VCF-style: chr2-44079913-C-T.
Other names: p.Thr290=; c.870C>T, p.Thr290= (NM_001357321.2).
Identifiers: ClinVar variation 288699 (VCV000288699.48), dbSNP rs117221284, ClinGen allele CA1637187.

ClinVar aggregate classification (germline): Conflicting classifications of pathogenicity. Review status: criteria provided, conflicting classifications (1 of 4 stars). 9 submissions from 9 submitters: Uncertain significance (2); Benign (1); Likely benign (5). 1 of the submissions does not count toward it. Last evaluated 2026-01-22.

Conditions:
Sitosterolemia 1. Identifiers: MedGen C2749759, MONDO:0020747, OMIM 210250.
ABCG8-related disorder. Also called: ABCG8-related condition.
Cardiovascular phenotype. Identifiers: MedGen CN230736.

Allele frequency attached by ClinVar (database versions not stated): gnomAD 0.00009 and 0.00019; ExAC 0.00022; TOPMed 0.00022; gnomAD exomes 0.00033; 1000 Genomes Project 30x 0.00109; 1000 Genomes Project 0.00120.

Submissions (9):

Labcorp Genetics (formerly Invitae), Labcorp
Classification: Benign. Last evaluated: 2026-01-22. Review status: criteria provided, single submitter. Criteria: Invitae Variant Classification Sherloc (09022015). Collection method: clinical testing. Allele origin: germline.

Mayo Clinic Laboratories, Mayo Clinic
Classification: Likely benign. Last evaluated: 2025-02-21. Review status: criteria provided, single submitter. Criteria: ACMG Guidelines, 2015. Collection method: clinical testing. Allele origin: germline. Observed: 1 variant allele.
Comment: BS1, BP4, BP7

Blueprint Genetics
Classification: Likely benign. Last evaluated: 2024-09-19. Review status: criteria provided, single submitter. Criteria: ACMG Guidelines, 2015. Collection method: clinical testing. Allele origin: germline.

Women's Health and Genetics/Laboratory Corporation of America, LabCorp
Classification: Likely benign. Last evaluated: 2023-08-07. Review status: criteria provided, single submitter. Criteria: LabCorp Variant Classification Summary - May 2015. Collection method: clinical testing. Allele origin: germline.

CeGaT Center for Human Genetics Tuebingen
Classification: Likely benign. Last evaluated: 2022-09-01. Review status: criteria provided, single submitter. Criteria: CeGaT Center For Human Genetics Tuebingen Variant Classification Criteria Version 2. Collection method: clinical testing. Allele origin: germline. Affected: yes. Observed: 1 variant allele.
Comment: ABCG8: BP4, BS2

Ambry Genetics
Classification: Likely benign for Cardiovascular phenotype. Last evaluated: 2019-10-29. Review status: criteria provided, single submitter. Criteria: Ambry Variant Classification Scheme 2023. Collection method: clinical testing. Allele origin: germline.

Eurofins Ntd Llc (ga)
Classification: Uncertain significance. Last evaluated: 2018-05-10. Review status: criteria provided, single submitter. Criteria: EGL ClinVar v180209 classification definitions. Collection method: clinical testing. Allele origin: germline. Observed: 4 variant alleles, 4 heterozygotes.

Illumina Laboratory Services, Illumina
Classification: Uncertain significance for Sitosterolemia 1. Last evaluated: 2018-01-13. Review status: criteria provided, single submitter. Criteria: ICSL Variant Classification Criteria 13 December 2019. Collection method: clinical testing. Allele origin: germline.

PreventionGenetics, part of Exact Sciences
Classification: Likely benign for ABCG8-related condition. Last evaluated: 2021-03-29. Review status: no assertion criteria provided. Collection method: clinical testing. Allele origin: germline. Not counted in ClinVar's aggregate classification.
Comment: This variant is classified as likely benign based on ACMG/AMP sequence variant interpretation guidelines (Richards et al. 2015 PMID: 25741868, with internal and published modifications).